The following is an entry in ClinVar:

ClinVar aggregate classification (germline): Likely pathogenic (1 of 4 stars; one submission).

Conditions:
Maple syrup urine disease (MSUD). Identifiers: Orphanet 511, MedGen C0024776, MeSH D008375, MONDO:0009563. Disease mechanism: loss of function.

Submission:

Myriad Genetics, Inc.
Classification: Likely pathogenic for Maple syrup urine disease type 1A. Last evaluated: 2020-03-23. Review status: criteria provided, single submitter. Criteria: Myriad Women's Health Autosomal Recessive and X-Linked Classification Criteria (2019). Collection method: clinical testing. Allele origin: unknown.
Comment: NM_183050.2(BCKDHB):c.501T>G(Y167*) is expected to be pathogenic in the context of maple syrup urine disease type Ib. This variant is predicted to lead to an abnormal or absent protein product due to the creation of a premature termination codon in BCKDHB, a gene where loss-of-function variants are known to be pathogenic. Please note: this variant was assessed in the context of healthy population screening.

NM_183050.4(BCKDHB):c.501T>G (p.Tyr167Ter)

Gene: BCKDHB (branched chain keto acid dehydrogenase E1 subunit beta; plus strand). Cytogenetic location: 6q14.1.
Variant type: single nucleotide variant.
Coding change: c.501T>G on transcript NM_183050.4 (MANE Select); coding-DNA position 501, T replaced by G.
Protein change: p.Tyr167Ter; replaces tyrosine 167 with a stop codon.
Molecular consequence: nonsense. On other transcripts: non-coding transcript variant (1).
Genome position (GRCh38, 1-based): chr6:80,168,898, T>G. VCF-style: chr6-80168898-T-G. GRCh37 (hg19) VCF-style: chr6-80878615-T-G.
Other names: c.501T>G, p.Tyr167Ter (NM_000056.5); c.291T>G, p.Tyr97Ter (NM_001318975.1); short protein forms Y167*, Y97*.
Identifiers: ClinVar variation 983566 (VCV000983566.3), dbSNP rs1772736212, ClinGen allele CA364657739.